The following is an entry in ClinVar:

NM_170606.3(KMT2C):c.3841+1G>C

Gene: KMT2C (lysine methyltransferase 2C; minus strand). Cytogenetic location: 7q36.1.
Variant type: single nucleotide variant.
Coding change: c.3841+1G>C on transcript NM_170606.3 (MANE Select); the canonical splice donor site of the intron after coding-DNA position 3841, G replaced by C.
Molecular consequence: splice donor variant.
Genome position (GRCh38, 1-based): chr7:152,207,299, C>G on the plus strand (G>C on the coding strand, the complement: KMT2C is on the minus strand). VCF-style: chr7-152207299-C-G. GRCh37 (hg19) VCF-style: chr7-151904384-C-G.
Identifiers: ClinVar variation 4094309 (VCV004094309.1).

ClinVar aggregate classification (germline): Uncertain significance (1 of 4 stars; one submission).

Conditions:
Inborn genetic diseases. Identifiers: MedGen C0950123, MeSH D030342.

Submission:

Ambry Genetics
Classification: Uncertain significance for Inborn genetic diseases. Last evaluated: 2025-08-25. Review status: criteria provided, single submitter. Criteria: Ambry Variant Classification Scheme 2023. Collection method: clinical testing. Allele origin: germline.
Comment: The c.3841+1G>C intronic variant results from a G to C substitution one nucleotide after coding exon 24 of the KMT2C gene. Alterations that disrupt the canonical splice site are expected to result in aberrant splicing. The resulting transcript is predicted to be in-frame and is not expected to trigger nonsense-mediated mRNA decay, although direct evidence is unavailable. This variant was not reported in population-based cohorts in the Genome Aggregation Database (gnomAD). Another variant impacting the same donor site (c.3841+1G>A) has been identified in an individual with short stature (Li, 2022). This nucleotide position is highly conserved in available vertebrate species. In silico splice site analysis predicts that this alteration will weaken the native splice donor site and will result in the creation or strengthening of a novel splice donor site. Based on insufficient or conflicting evidence, the clinical significance of this alteration remains unclear.

Literature cited by the submitters: PubMed 34850017.